The following is an entry in ClinVar:

ClinVar aggregate classification (germline): Conflicting classifications of pathogenicity. Review status: criteria provided, conflicting classifications (1 of 4 stars). 2 submissions from 2 submitters: Likely pathogenic (1); Uncertain significance (1). Last evaluated 2025-09-24.

Conditions:
Pendred syndrome (PDS). Also called: DEAFNESS WITH GOITER; THYROID DYSHORMONOGENESIS 2B; THYROID HORMONOGENESIS, GENETIC DEFECT IN, 2B; Pendred's syndrome; Pendred Syndrome (PDS); GOITER-DEAFNESS SYNDROME. Identifiers: Orphanet 705, MedGen C0271829, MONDO:0010134, OMIM 274600.

Allele frequency attached by ClinVar (database versions not stated): gnomAD exomes below 0.00001 and 0.00001; ExAC 0.00001; gnomAD 0.00001.
gnomAD v4.1: 5 of 1,613,976 alleles (0.00031%); highest among the groups gnomAD compares: Non-Finnish European, 0.00042%; no homozygotes.

Submissions (2):

Natera, Inc.
Classification: Likely pathogenic for Pendred syndrome. Last evaluated: 2025-09-24. Review status: criteria provided, single submitter. Criteria: Natera Variant Classification Schema (03/2026). Collection method: clinical testing. Allele origin: germline.
Comment: The c.232T>C variant in SLC26A4 is a missense variant predicted to cause substitution of tyrosine to histidine at amino acid 78. This variant is rare in the general population with a frequency below the threshold expected for the associated phenotype(s). This variant has been observed in one or more individuals affected with the associated recessive disease, as either homozygous or compound heterozygous with a second variant (PMID: 20483489). Additionally, this variant has been observed to segregate in affected family members (PMID: 20483489). A different variant at the same position has been determined to be Pathogenic or Likely Pathogenic. Computational prediction algorithms indicate this variant is likely to affect gene or protein function. Given the available evidence, this variant is classified as Likely Pathogenic.

Myriad Genetics, Inc.
Classification: Uncertain significance for Pendred syndrome. Last evaluated: 2021-11-17. Review status: criteria provided, single submitter. Criteria: Myriad Women's Health Autosomal Recessive and X-Linked Classification Criteria (2021). Collection method: clinical testing. Allele origin: unknown.
Comment: NM_000441.1(SLC26A4):c.232T>C(Y78H) is a missense variant classified as a variant of uncertain significance in the context of Pendred syndrome. Y78H has been observed in cases with relevant disease (PMID: 20483489). Functional assessments of this variant are not available in the literature. Y78H has been observed in population frequency databases (gnomAD: NFE <0.001%). In summary, there is insufficient evidence to classify NM_000441.1(SLC26A4):c.232T>C(Y78H) as pathogenic or benign. Please note: this variant was assessed in the context of healthy population screening.

Literature cited by the submitters: PubMed 20483489 (cited by Natera, Inc. and Myriad Genetics, Inc.).

NM_000441.2(SLC26A4):c.232T>C (p.Tyr78His)

Gene: SLC26A4 (solute carrier family 26 member 4; plus strand). Cytogenetic location: 7q22.3.
Variant type: single nucleotide variant.
Coding change: c.232T>C on transcript NM_000441.2 (MANE Select); coding-DNA position 232, T replaced by C.
Protein change: p.Tyr78His; replaces tyrosine 78 with histidine.
Molecular consequence: missense variant.
Genome position (GRCh38, 1-based): chr7:107,663,363, T>C. VCF-style: chr7-107663363-T-C. GRCh37 (hg19) VCF-style: chr7-107303808-T-C.
Other names: c.232T>C (NM_000441.1); short protein forms Y78H.
Identifiers: ClinVar variation 1334160 (VCV001334160.4), dbSNP rs760794201, ClinGen allele CA4432403.
Genomic context (GRCh38, chr7:107,663,363, plus strand): 5'-AGAAAGAGAGCCTTTGGTGTGCTAAAGACTCTTGTGCCCATCTTGGAGTGGCTCCCCAAA[T>C]ACCGAGTCAAGGAATGGCTGCTTAGTGACGTCATTTCGGGAGTTAGTACTGGGCTAGTGG-3'
Protein context (NP_000432.1, residues 68-88): LVPILEWLPK[Tyr78His]RVKEWLLSDV